The following is an entry in ClinVar:

ClinVar aggregate classification (germline): Uncertain significance. Review status: criteria provided, multiple submitters, no conflicts (2 of 4 stars). 2 submissions from 2 submitters: Uncertain significance (2). Last evaluated 2026-05-12.

Conditions:
Cardiovascular phenotype. Identifiers: MedGen CN230736.
Arrhythmogenic right ventricular dysplasia 10. Also called: Arrhythmogenic Right Ventricular Dysplasia/Cardiomyopathy10; ARRHYTHMOGENIC RIGHT VENTRICULAR DYSPLASIA, FAMILIAL, 10; Arrhythmogenic right ventricular dysplasia/cardiomyopathy, type 10. Identifiers: MedGen C1857777, MONDO:0012434, OMIM 610193.

Allele frequency attached by ClinVar (database versions not stated): gnomAD exomes below 0.00001; TOPMed below 0.00001.
gnomAD v4.1: 4 of 1,614,006 alleles (0.00025%); highest among the groups gnomAD compares: Admixed American, 0.0033%; no homozygotes.

Submissions (2):

Ambry Genetics
Classification: Uncertain significance for Cardiovascular phenotype. Last evaluated: 2026-05-12. Review status: criteria provided, single submitter. Criteria: Ambry Variant Classification Scheme 2023. Collection method: clinical testing. Allele origin: germline.
Comment: The p.N155S variant (also known as c.464A>G), located in coding exon 5 of the DSG2 gene, results from an A to G substitution at nucleotide position 464. The asparagine at codon 155 is replaced by serine, an amino acid with highly similar properties. This amino acid position is well conserved in available vertebrate species. In addition, this alteration is predicted to be tolerated by in silico analysis. Based on the available evidence, the clinical significance of this variant remains unclear.

Labcorp Genetics (formerly Invitae), Labcorp
Classification: Uncertain significance for Arrhythmogenic right ventricular dysplasia 10. Last evaluated: 2022-03-18. Review status: criteria provided, single submitter. Criteria: Invitae Variant Classification Sherloc (09022015). Collection method: clinical testing. Allele origin: germline.
Comment: This sequence change replaces asparagine, which is neutral and polar, with serine, which is neutral and polar, at codon 155 of the DSG2 protein (p.Asn155Ser). This variant is not present in population databases (gnomAD no frequency). This variant has not been reported in the literature in individuals affected with DSG2-related conditions. Algorithms developed to predict the effect of missense changes on protein structure and function (SIFT, PolyPhen-2, Align-GVGD) all suggest that this variant is likely to be disruptive. In summary, the available evidence is currently insufficient to determine the role of this variant in disease. Therefore, it has been classified as a Variant of Uncertain Significance.

NM_001943.5(DSG2):c.464A>G (p.Asn155Ser)

Gene: DSG2 (desmoglein 2; plus strand). Cytogenetic location: 18q12.1.
Variant type: single nucleotide variant.
Coding change: c.464A>G on transcript NM_001943.5 (MANE Select); coding-DNA position 464, A replaced by G.
Protein change: p.Asn155Ser; replaces asparagine 155 with serine.
Molecular consequence: missense variant.
Genome position (GRCh38, 1-based): chr18:31,521,184, A>G. VCF-style: chr18-31521184-A-G. GRCh37 (hg19) VCF-style: chr18-29101147-A-G.
Other names: short protein forms N155S.
Identifiers: ClinVar variation 2155791 (VCV002155791.2), dbSNP rs2073125926, ClinGen allele CA402132217.